The following is an entry in ClinVar:

NM_001244008.2(KIF1A):c.1594G>T (p.Gly532Cys)

Gene: KIF1A (kinesin family member 1A; minus strand). Cytogenetic location: 2q37.3.
Variant type: single nucleotide variant.
Coding change: c.1594G>T on transcript NM_001244008.2 (MANE Select); coding-DNA position 1594, G replaced by T.
Protein change: p.Gly532Cys; replaces glycine 532 with cysteine.
Molecular consequence: missense variant.
Genome position (GRCh38, 1-based): chr2:240,767,005, C>A on the plus strand (G>T on the coding strand, the complement: KIF1A is on the minus strand). VCF-style: chr2-240767005-C-A. GRCh37 (hg19) VCF-style: chr2-241706422-C-A.
Other names: c.1594G>T, p.Gly532Cys (NM_001320705.2, NM_001330289.2, NM_001379638.1); c.1669G>T, p.Gly557Cys (NM_001330290.2, NM_001379631.1, NM_001379634.1 and 2 more transcripts); c.1567G>T, p.Gly523Cys (NM_001379632.1, NM_001379633.1, NM_001379636.1 and 11 more transcripts); c.1642G>T, p.Gly548Cys (NM_001379637.1, NM_001379648.1); short protein forms G532C, G523C, G557C, G548C.
Identifiers: ClinVar variation 2925123 (VCV002925123.3), dbSNP rs757193565, ClinGen allele CA2208331.

ClinVar aggregate classification (germline): Uncertain significance (1 of 4 stars; one submission).

Conditions:
Neuropathy, hereditary sensory, type 2C. Also called: Hereditary sensory and autonomic neuropathy type IIC; KIF1A-Related HSAN2 (HSAN2C). Identifiers: Orphanet 970, MedGen C3280168, MONDO:0013634, OMIM 614213.
Hereditary spastic paraplegia 30. Identifiers: Orphanet 101010, MedGen C5235139, MONDO:0012476.
Intellectual disability, autosomal dominant 9 (NESCAVS). Also called: NESCAV SYNDROME; KIF1A-Related Neurodevelopmental Disorder. Identifiers: Orphanet 662367, MedGen C5393830, MONDO:0013656, OMIM 614255.

Allele frequency attached by ClinVar (database versions not stated): TOPMed 0.00001.
gnomAD v4.1: 3 of 1,611,188 alleles (0.00019%); highest among the groups gnomAD compares: East Asian, 0.0067%; no homozygotes.

Submission:

Labcorp Genetics (formerly Invitae), Labcorp
Classification: Uncertain significance for Hereditary spastic paraplegia 30; Neuropathy, hereditary sensory, type 2C; Intellectual disability, autosomal dominant 9. Last evaluated: 2026-01-25. Review status: criteria provided, single submitter. Criteria: Invitae Variant Classification Sherloc (09022015). Collection method: clinical testing. Allele origin: germline.
Comment: This sequence change replaces glycine, which is neutral and non-polar, with cysteine, which is neutral and slightly polar, at codon 523 of the KIF1A protein (p.Gly523Cys). The frequency data for this variant in the population databases is considered unreliable, as metrics indicate poor data quality at this position in the gnomAD database. This variant has not been reported in the literature in individuals affected with KIF1A-related conditions. ClinVar contains an entry for this variant (Variation ID: 2925123). Invitae Evidence Modeling of protein sequence and biophysical properties (such as structural, functional, and spatial information, amino acid conservation, physicochemical variation, residue mobility, and thermodynamic stability) indicates that this missense variant is expected to disrupt KIF1A protein function with a positive predictive value of 80%. In summary, the available evidence is currently insufficient to determine the role of this variant in disease. Therefore, it has been classified as a Variant of Uncertain Significance.